The following is an entry in ClinVar:

NM_001109878.2(TBX22):c.566G>A (p.Trp189Ter)

Gene: TBX22 (T-box transcription factor 22). Cytogenetic location: Xq21.1.
Variant type: single nucleotide variant.
Coding change: c.566G>A on transcript NM_001109878.2 (MANE Select); coding-DNA position 566, G replaced by A.
Protein change: p.Trp189Ter; replaces tryptophan 189 with a stop codon.
Molecular consequence: nonsense.
Genome position (GRCh38, 1-based): chrX:80,025,710, G>A. VCF-style: chrX-80025710-G-A. GRCh37 (hg19) VCF-style: chrX-79281209-G-A.
Other names: c.206G>A, p.Trp69Ter (NM_001109879.2, NM_001303475.1); c.566G>A, p.Trp189Ter (NM_016954.2); short protein forms W189*, W69*.
Identifiers: ClinVar variation 3350152 (VCV003350152.1).

ClinVar aggregate classification (germline): Uncertain significance (0 of 4 stars; one submission).

Conditions:
TBX22-related disorder. Also called: TBX22-related condition.

Submission:

PreventionGenetics, part of Exact Sciences
Classification: Uncertain significance for TBX22-related condition. Last evaluated: 2024-09-18. Review status: no assertion criteria provided. Collection method: clinical testing. Allele origin: germline.
Comment: The TBX22 c.566G>A variant is predicted to result in premature protein termination (p.Trp189*). To our knowledge, this variant has not been reported in the literature or in a large population database, indicating this variant is rare. Loss of function is not a conclusively established mechanism for TBX22-related disease and only a few protein truncating and splice variants have been reported to date (Human Gene Mutation Database). Although we suspect that this variant may be pathogenic, at this time, the clinical significance of this variant is uncertain due to the absence of conclusive functional and genetic evidence.